The following is an entry in ClinVar:

ClinVar aggregate classification (germline): Uncertain significance (1 of 4 stars; one submission).

gnomAD v4.1: 2 of 1,613,966 alleles (0.00012%); highest among the groups gnomAD compares: Non-Finnish European, 0.00017%; no homozygotes.

Submission:

CeGaT Center for Human Genetics Tuebingen
Classification: Uncertain significance. Last evaluated: 2025-02-01. Review status: criteria provided, single submitter. Criteria: CeGaT Center For Human Genetics Tuebingen Variant Classification Criteria Version 2. Collection method: clinical testing. Allele origin: germline. Affected: yes. Observed: 1 variant allele.
Comment: TRIP12: PP2, BP4

NM_001348323.3(TRIP12):c.5465G>A (p.Arg1822Lys)

Gene: TRIP12 (thyroid hormone receptor interactor 12; minus strand). Cytogenetic location: 2q36.3.
Variant type: single nucleotide variant.
Coding change: c.5465G>A on transcript NM_001348323.3 (MANE Select); coding-DNA position 5465, G replaced by A.
Protein change: p.Arg1822Lys; replaces arginine 1822 with lysine.
Molecular consequence: missense variant.
Genome position (GRCh38, 1-based): chr2:229,777,379, C>T on the plus strand (G>A on the coding strand, the complement: TRIP12 is on the minus strand). VCF-style: chr2-229777379-C-T. GRCh37 (hg19) VCF-style: chr2-230642095-C-T.
Other names: c.5384G>A, p.Arg1795Lys (NM_001284214.2, NM_001348315.2); c.5339G>A, p.Arg1780Lys (NM_001284215.2, NM_001348316.2); c.4430G>A, p.Arg1477Lys (NM_001284216.2); c.5324G>A, p.Arg1775Lys (NM_001348317.1, NM_001348318.2); c.5450G>A, p.Arg1817Lys (NM_001348319.1, NM_001348320.2); c.5468G>A, p.Arg1823Lys (NM_001348330.2, NM_001348328.1, NM_001348329.2); c.5243G>A, p.Arg1748Lys (NM_001348331.1); c.5363G>A, p.Arg1788Lys (NM_001348332.1); and 4 more; short protein forms R1477K, R1747K, R1748K, R1775K, R1780K, R1788K, R1795K, R1796K.
Identifiers: ClinVar variation 3772616 (VCV003772616.13).